The following is an entry in ClinVar:

NM_001148.6(ANK2):c.6505G>A (p.Val2169Ile)

Gene: ANK2 (ankyrin 2; plus strand). Cytogenetic location: 4q26.
Variant type: single nucleotide variant.
Coding change: c.6505G>A on transcript NM_001148.6 (MANE Select); coding-DNA position 6505, G replaced by A.
Protein change: p.Val2169Ile; replaces valine 2169 with isoleucine.
Molecular consequence: missense variant. On other transcripts: intron variant (68).
Genome position (GRCh38, 1-based): chr4:113,355,123, G>A. VCF-style: chr4-113355123-G-A. GRCh37 (hg19) VCF-style: chr4-114276279-G-A.
Other names: c.4471+4874G>A (NM_001386144.1, NM_001354240.2, NM_001354241.2); c.1990+4874G>A (NM_001354279.2, NM_001354282.2); c.1975+4874G>A (NM_001354280.2); c.1954+4874G>A (NM_001354278.2, NM_001354281.2); c.826+4874G>A (NM_001386167.1); c.6271G>A, p.Val2091Ile (NM_001386142.1); c.2905G>A, p.Val969Ile (NM_001386166.1); c.6646G>A, p.Val2216Ile (NM_001386174.1); and 35 more; short protein forms V2169I, V2091I, V2208I, V2216I, V969I.
Identifiers: ClinVar variation 406464 (VCV000406464.59), dbSNP rs149292242, ClinGen allele CA3051421.

ClinVar aggregate classification (germline): Conflicting classifications of pathogenicity. Review status: criteria provided, conflicting classifications (1 of 4 stars). 7 submissions from 7 submitters: Uncertain significance (6); Likely benign (1). Last evaluated 2025-10-02.

Conditions:
Cardiovascular phenotype. Identifiers: MedGen CN230736.
Long QT syndrome (LQTS). Identifiers: MedGen C0023976, MeSH D008133, MONDO:0002442. Disease mechanism: loss of function. Inheritance: Various modes of inheritance.
Cardiac arrhythmia, ankyrin-B-related. Also called: ANKYRIN-B SYNDROME. Identifiers: Orphanet 101016, Orphanet 768, MedGen C1970119, MONDO:0010958, OMIM 600919.

Allele frequency attached by ClinVar (database versions not stated): ExAC 0.00004; gnomAD exomes 0.00005 and 0.00012; gnomAD 0.00007; ESP Exome Variant Server 0.00008; TOPMed 0.00009.
gnomAD v4.1: 189 of 1,613,968 alleles (0.012%); highest among the groups gnomAD compares: Non-Finnish European, 0.015%; no homozygotes.

Submissions (7):

Labcorp Genetics (formerly Invitae), Labcorp
Classification: Uncertain significance for Long QT syndrome. Last evaluated: 2025-10-02. Review status: criteria provided, single submitter. Criteria: Invitae Variant Classification Sherloc (09022015). Collection method: clinical testing. Allele origin: germline.
Comment: This sequence change replaces valine, which is neutral and non-polar, with isoleucine, which is neutral and non-polar, at codon 2169 of the ANK2 protein (p.Val2169Ile). This variant is present in population databases (rs149292242, gnomAD 0.01%). This variant has not been reported in the literature in individuals affected with ANK2-related conditions. ClinVar contains an entry for this variant (Variation ID: 406464). An algorithm developed to predict the effect of missense changes on protein structure and function (PolyPhen-2) suggests that this variant is likely to be tolerated. In summary, the available evidence is currently insufficient to determine the role of this variant in disease. Therefore, it has been classified as a Variant of Uncertain Significance.

Ambry Genetics
Classification: Likely benign for Cardiovascular phenotype. Last evaluated: 2023-02-24. Review status: criteria provided, single submitter. Criteria: Ambry Variant Classification Scheme 2023. Collection method: clinical testing. Allele origin: germline.

Neuberg Centre For Genomic Medicine, NCGM
Classification: Uncertain significance for Cardiac arrhythmia, ankyrin-B-related. Last evaluated: 2023-02-14. Review status: criteria provided, single submitter. Criteria: ACMG Guidelines, 2015. Collection method: clinical testing. Allele origin: germline. Inheritance: Autosomal dominant inheritance. Affected: yes.

GeneDx
Classification: Uncertain significance. Last evaluated: 2021-08-18. Review status: criteria provided, single submitter. Criteria: GeneDx Variant Classification Process June 2021. Collection method: clinical testing. Allele origin: germline. Affected: yes.
Comment: Has not been previously published as pathogenic or benign to our knowledge; Reported in ClinVar as a variant of uncertain significance (ClinVar Variant ID# 406464; Landrum et al., 2016); In silico analysis supports that this missense variant does not alter protein structure/function

Fulgent Genetics
Classification: Uncertain significance for Cardiac arrhythmia, ankyrin-B-related. Last evaluated: 2021-08-03. Review status: criteria provided, single submitter. Criteria: ACMG Guidelines, 2015. Collection method: clinical testing. Allele origin: unknown.

CeGaT Center for Human Genetics Tuebingen
Classification: Uncertain significance. Last evaluated: 2019-06-01. Review status: criteria provided, single submitter. Criteria: CeGaT Center For Human Genetics Tuebingen Variant Classification Criteria Version 2. Collection method: clinical testing. Allele origin: germline. Affected: yes. Observed: 1 variant allele.

Illumina Laboratory Services, Illumina
Classification: Uncertain significance for Cardiac arrhythmia, ankyrin-B-related. Last evaluated: 2018-01-12. Review status: criteria provided, single submitter. Criteria: ICSL Variant Classification Criteria 13 December 2019. Collection method: clinical testing. Allele origin: germline.